The following is an entry in ClinVar:

ClinVar aggregate classification (germline): Pathogenic (1 of 4 stars; one submission).

Conditions:
Combined immunodeficiency due to LRBA deficiency. Also called: Common variable immunodeficiency 8, with autoimmunity. Identifiers: Orphanet 445018, MedGen C3553512, MONDO:0013863, OMIM 614700.

Submission:

Labcorp Genetics (formerly Invitae), Labcorp
Classification: Pathogenic for Combined immunodeficiency due to LRBA deficiency. Last evaluated: 2017-06-29. Review status: criteria provided, single submitter. Criteria: Invitae Variant Classification Sherloc (09022015). Collection method: clinical testing. Allele origin: germline.
Comment: This variant is an out-of-frame deletion of the genomic region encompassing exons 36-41 of the LRBA gene. This creates a premature translational stop signal and is expected to result in an absent or disrupted protein product. This variant has not been reported in the literature in individuals with LRBA-related disease. Loss-of-function variants in LRBA are known to be pathogenic (PMID: 26768763, 26206937). For these reasons, this variant has been classified as Pathogenic.

NC_000004.12:g.(?_150588028)_(150735386_?)del

Genes: LRBA (LPS responsive beige-like anchor protein; minus strand), LOC123493218 (Sharpr-MPRA regulatory region 7547; plus strand). Cytogenetic location: 4q31.3.
Variant type: Deletion.
Identifiers: ClinVar variation 473163 (VCV000473163.1).